The following is an entry in ClinVar:

NM_000397.4(CYBB):c.675-12T>G

Gene: CYBB (cytochrome b-245 beta chain; plus strand). Cytogenetic location: Xp21.1.
Variant type: single nucleotide variant.
Coding change: c.675-12T>G on transcript NM_000397.4 (MANE Select); 12 bases into the intron before coding-DNA position 675, T replaced by G.
Molecular consequence: intron variant.
Genome position (GRCh38, 1-based): chrX:37,798,943, T>G. VCF-style: chrX-37798943-T-G. GRCh37 (hg19) VCF-style: chrX-37658196-T-G.
Identifiers: ClinVar variation 4854050 (VCV004854050.1).
Genomic context (GRCh38, chrX:37,798,943, plus strand): 5'-TATGCAGAATCTTTTAATAAAACAATTTAATTTCCTATTACTAAATGATCTGGACTTACA[T>G]TTTTCACCCAGACGAATTGTACGTGGGCAGACCGCAGAGAGTTTGGCTGTGCATAATATA-3'

ClinVar aggregate classification (germline): Uncertain significance (1 of 4 stars; one submission).

Conditions:
Granulomatous disease, chronic, X-linked. Also called: GRANULOMATOUS DISEASE, CHRONIC, X-LINKED, SOMATIC MOSAIC; CYTOCHROME b-NEGATIVE GRANULOMATOUS DISEASE, CHRONIC, X-LINKED. Identifiers: Orphanet 379, MedGen C1844376, MONDO:0010600, OMIM 306400.

Submission:

3billion
Classification: Uncertain significance for Granulomatous disease, chronic, X-linked. Last evaluated: 2025-08-28. Review status: criteria provided, single submitter. Criteria: ACMG Guidelines, 2015. Collection method: clinical testing. Allele origin: germline. Affected: yes.
Comment: The variant is not observed in the gnomAD v4.1.0 dataset. Predicted Consequence/Location: Intron variant In silico tools predict the variant to alter splicing and produce an abnormal transcript [SpliceAI: 0.82 (>=0.2, moderate evidence for spliceogenicity)]. The variant has been reported to be associated with CYBB-related disorder (PMID: 32040803). However, the evidence of pathogenicity is insufficient at this time. Therefore, this variant is classified as VUS according to the recommendation of ACMG/AMP guideline.

Literature cited by the submitters: PubMed 32040803.